The following is an entry in ClinVar:

ClinVar aggregate classification (germline): Uncertain significance. Review status: criteria provided, multiple submitters, no conflicts (2 of 4 stars). 2 submissions from 2 submitters: Uncertain significance (2). Last evaluated 2026-07-06.

Conditions:
Hereditary cancer-predisposing syndrome. Also called: Hereditary neoplastic syndrome; Hereditary Cancer Syndrome; Neoplastic Syndromes, Hereditary; Tumor predisposition. Identifiers: Orphanet 140162, MedGen C0027672, MeSH D009386, MONDO:0015356.

Submissions (2):

Ambry Genetics
Classification: Uncertain significance for Hereditary cancer-predisposing syndrome. Last evaluated: 2026-07-06. Review status: criteria provided, single submitter. Criteria: Ambry Variant Classification Scheme 2023. Collection method: clinical testing. Allele origin: germline.
Comment: The p.K18E variant (also known as c.52A>G), located in coding exon 2 of the PALB2 gene, results from an A to G substitution at nucleotide position 52. The lysine at codon 18 is replaced by glutamic acid, an amino acid with similar properties. This amino acid position is conserved. In addition, the in silico prediction for this alteration is inconclusive. Based on the available evidence, the clinical significance of this variant remains unclear.

Center for Genomic Medicine, Rigshospitalet, Copenhagen University Hospital
Classification: Uncertain significance. Last evaluated: 2025-03-04. Review status: criteria provided, single submitter. Criteria: ACMG Guidelines, 2015. Collection method: clinical testing. Allele origin: germline.

NM_024675.4(PALB2):c.52A>G (p.Lys18Glu)

Gene: PALB2 (partner and localizer of BRCA2; minus strand). Cytogenetic location: 16p12.2.
Variant type: single nucleotide variant.
Coding change: c.52A>G on transcript NM_024675.4 (MANE Select); coding-DNA position 52, A replaced by G.
Protein change: p.Lys18Glu; replaces lysine 18 with glutamic acid.
Molecular consequence: missense variant. On other transcripts: 5 prime UTR variant (8), intron variant (4).
Genome position (GRCh38, 1-based): chr16:23,638,126, T>C on the plus strand (A>G on the coding strand, the complement: PALB2 is on the minus strand). VCF-style: chr16-23638126-T-C. GRCh37 (hg19) VCF-style: chr16-23649447-T-C.
Other names: c.52A>G, p.Lys18Glu (NM_001407297.1, NM_001407298.1, NM_001407299.1 and 3 more transcripts); c.-834A>G (NM_001407304.1, NM_001407305.1, NM_001407306.1 and 5 more transcripts); c.48+2984A>G (NM_001407314.1); c.-105+2984A>G (NM_001407313.1, NM_001407312.1); c.49-174A>G (NM_001407296.1); short protein forms K18E.
Identifiers: ClinVar variation 2576375 (VCV002576375.3), dbSNP rs2142461206, ClinGen allele CA395140003.